The following is an entry in ClinVar:

ClinVar aggregate classification (germline): Conflicting classifications of pathogenicity. Review status: criteria provided, conflicting classifications (1 of 4 stars). 6 submissions from 6 submitters: Likely pathogenic (2); Uncertain significance (3). 1 of the submissions does not count toward it. Last evaluated 2026-05-01.

Conditions:
Neonatal pseudo-hydrocephalic progeroid syndrome. Also called: Wiedemann-Rautenstrauch syndrome. Identifiers: Orphanet 3455, MedGen C0406586, MONDO:0009910, OMIM 264090.
Leukodystrophy. Identifiers: Orphanet 68356, MedGen C0023520, MONDO:0019046, HP:0002415.
Leukodystrophy, hypomyelinating, 7, with or without oligodontia and/or hypogonadotropic hypogonadism (HLD7). Also called: LEUKODYSTROPHY, HYPOMYELINATING, 7, WITH OLIGODONTIA; LEUKODYSTROPHY, HYPOMYELINATING, 7, WITH OLIGODONTIA AND HYPOGONADOTROPIC HYPOGONADISM; LEUKODYSTROPHY, HYPOMYELINATING, 7, WITHOUT OLIGODONTIA OR HYPOGONADOTROPIC HYPOGONADISM; LEUKOENCEPHALOPATHY, HYPOMYELINATING, WITH ATAXIA AND DELAYED DENTITION; ATAXIA, DELAYED DENTITION, AND HYPOMYELINATION; Ataxia, Delayed Dentition and Hypomyelination (ADDH). Identifiers: Orphanet 137639, Orphanet 447893, Orphanet 447896, Orphanet 77295, Orphanet 88637, MedGen CN034185, MONDO:0011897, OMIM 607694.

Allele frequency attached by ClinVar (database versions not stated): gnomAD exomes 0.00002 and below 0.00001; ExAC 0.00002.

Submissions (6):

CeGaT Center for Human Genetics Tuebingen
Classification: Likely pathogenic. Last evaluated: 2026-05-01. Review status: criteria provided, single submitter. Criteria: CeGaT Center For Human Genetics Tuebingen Variant Classification Criteria Version 2. Collection method: clinical testing. Allele origin: germline. Affected: yes. Observed: 2 variant alleles.
Comment: POLR3A: PM3:Strong, PM2, PM5:Supporting, PP2, PP3

Genomic Medicine Center of Excellence, King Faisal Specialist Hospital and Research Centre
Classification: Uncertain significance for Leukodystrophy, hypomyelinating, 7, with or without oligodontia and/or hypogonadotropic hypogonadism. Last evaluated: 2024-12-19. Review status: criteria provided, single submitter. Criteria: ACMG Guidelines, 2015. Collection method: clinical testing. Allele origin: germline.

Revvity Omics, Revvity
Classification: Uncertain significance. Last evaluated: 2024-03-25. Review status: criteria provided, single submitter. Criteria: ACMG Guidelines, 2015. Collection method: clinical testing. Allele origin: germline.

Broad Center for Mendelian Genomics, Broad Institute of MIT and Harvard
Classification: Uncertain significance for Leukodystrophy. Last evaluated: 2024-01-24. Review status: criteria provided, single submitter. Criteria: ACMG Guidelines, 2015. Collection method: curation. Allele origin: germline. Inheritance: Autosomal recessive inheritance.
Comment: The p.Arg1069Gln variant in POLR3A has been reported in 1 individual, in the compound heterozygous state, with POLR3A-related disorders (PMID: 30323018), and has been identified in 0.01% (2/18386) of East Asian chromosomes by the Genome Aggregation Database (gnomAD; dbSNP ID: rs778985686). Although this variant has been seen in the general population in a heterozygous state, its frequency is not high enough to rule out a pathogenic role. This variant has also been reported in ClinVar (Variation ID#: 549558) and has been interpreted as likely pathogenic or pathogenic by Tartaglia Lab (Genetics and Rare Diseases Research Division, Bambino Gesu' Children's Hospital), OMIM, and CeGaT Center for Human Genetics Tuebingen. Computational prediction tools and conservation analyses do not provide strong support for or against an impact to the protein. The p.Asp1292Asn variant is located in a region of POLR3A that is essential to protein folding and stability, suggesting that this variant is in a hot spot and slightly supports pathogenicity (PMID: 30323018). In summary, the clinical significance of the p.Arg1069Gln variant is uncertain. ACMG/AMP Criteria applied: PM3, PM1_supporting (Richards 2015).

Tartaglia Lab, Genetics and Rare Diseases Research Division, Bambino Gesu' Children's Hospital
Classification: Likely pathogenic for Neonatal pseudo-hydrocephalic progeroid syndrome. Last evaluated: 2018-04-01. Review status: criteria provided, single submitter. Criteria: ACMG Guidelines, 2015. Collection method: research. Allele origin: germline. Affected: yes.

OMIM
Classification: Pathogenic for WIEDEMANN-RAUTENSTRAUCH SYNDROME. Last evaluated: 2024-04-02. Review status: no assertion criteria provided. Collection method: literature only. Allele origin: germline. Not counted in ClinVar's aggregate classification.

Literature cited by the submitters: PubMed 30323018 (cited by Broad Center for Mendelian Genomics, Broad Institute of MIT and Harvard and OMIM).

NM_007055.4(POLR3A):c.3206G>A (p.Arg1069Gln)

Genes: POLR3A (RNA polymerase III subunit A; minus strand), LOC126860970 (BRD4-independent group 4 enhancer GRCh37_chr10:79743812-79745011; plus strand). Cytogenetic location: 10q22.3.
Variant type: single nucleotide variant.
Coding change: c.3206G>A on transcript NM_007055.4 (MANE Select); coding-DNA position 3206, G replaced by A.
Protein change: p.Arg1069Gln; replaces arginine 1069 with glutamine.
Molecular consequence: missense variant.
Genome position (GRCh38, 1-based): chr10:77,985,206, C>T on the plus strand (G>A on the coding strand, the complement: POLR3A is on the minus strand). VCF-style: chr10-77985206-C-T. GRCh37 (hg19) VCF-style: chr10-79744964-C-T.
Other names: POLR3A, ARG1069GLN (rs778985686); NM_007055.4(POLR3A):c.3206G>A; p.Arg1069Gln; short protein forms R1069Q.
Identifiers: ClinVar variation 549558 (VCV000549558.41), dbSNP rs778985686, ClinGen allele CA5570913.
Genomic context (GRCh38, chr10:77,985,206, plus strand): 5'-CAAGAAGGAAATGAAAGCAGGCACCTGATGGCCTTGGAAGCGTTGATGATCTCTTTAATC[C>T]GGGGCACGCCCAGGGTGATGTTCATGGAGGCCACACCTGCAAAGTGGAAAGTCTTCAGGG-3'
Protein context (NP_008986.2, residues 1059-1079): ASMNITLGVP[Arg1069Gln]IKEIINASKA